The following is an entry in ClinVar:

NM_001035.3(RYR2):c.12232C>T (p.Leu4078Phe)

Gene: RYR2 (ryanodine receptor 2; plus strand). Cytogenetic location: 1q43.
Variant type: single nucleotide variant.
Coding change: c.12232C>T on transcript NM_001035.3 (MANE Select); coding-DNA position 12232, C replaced by T.
Protein change: p.Leu4078Phe; replaces leucine 4078 with phenylalanine.
Molecular consequence: missense variant.
Genome position (GRCh38, 1-based): chr1:237,783,944, C>T. VCF-style: chr1-237783944-C-T. GRCh37 (hg19) VCF-style: chr1-237947244-C-T.
Other names: short protein forms L4078F.
Identifiers: ClinVar variation 3633835 (VCV003633835.2).

ClinVar aggregate classification (germline): Uncertain significance (1 of 4 stars; one submission).

Conditions:
Catecholaminergic polymorphic ventricular tachycardia 1. Also called: VENTRICULAR TACHYCARDIA, CATECHOLAMINERGIC POLYMORPHIC, 1, WITH OR WITHOUT ATRIAL DYSFUNCTION AND/OR DILATED CARDIOMYOPATHY; RYR2-Related Catecholaminergic Polymorphic Ventricular Tachycardia; VENTRICULAR TACHYCARDIA, STRESS-INDUCED POLYMORPHIC 1. Identifiers: Orphanet 3286, MedGen C1631597, MONDO:0011484, OMIM 604772.

Submission:

Labcorp Genetics (formerly Invitae), Labcorp
Classification: Uncertain significance for Catecholaminergic polymorphic ventricular tachycardia 1. Last evaluated: 2024-10-30. Review status: criteria provided, single submitter. Criteria: Invitae Variant Classification Sherloc (09022015). Collection method: clinical testing. Allele origin: germline.
Comment: This sequence change replaces leucine, which is neutral and non-polar, with phenylalanine, which is neutral and non-polar, at codon 4078 of the RYR2 protein (p.Leu4078Phe). This variant is not present in population databases (gnomAD no frequency). This variant has not been reported in the literature in individuals affected with RYR2-related conditions. Invitae Evidence Modeling of protein sequence and biophysical properties (such as structural, functional, and spatial information, amino acid conservation, physicochemical variation, residue mobility, and thermodynamic stability) indicates that this missense variant is not expected to disrupt RYR2 protein function with a negative predictive value of 95%. In summary, the available evidence is currently insufficient to determine the role of this variant in disease. Therefore, it has been classified as a Variant of Uncertain Significance.